The following is an entry in ClinVar:

ClinVar aggregate classification (germline): Uncertain significance. Review status: criteria provided, multiple submitters, no conflicts (2 of 4 stars). 2 submissions from 2 submitters: Uncertain significance (2). Last evaluated 2025-12-03.

Conditions:
Hereditary cancer-predisposing syndrome. Also called: Hereditary neoplastic syndrome; Tumor predisposition; Neoplastic Syndromes, Hereditary; Hereditary Cancer Syndrome. Identifiers: Orphanet 140162, MedGen C0027672, MeSH D009386, MONDO:0015356.
DICER1-related tumor predisposition. Also called: DICER1 syndrome; DICER1-related pleuropulmonary blastoma cancer predisposition syndrome. Identifiers: Orphanet 284343, MedGen C3839822, MONDO:0100216.

Submissions (2):

Labcorp Genetics (formerly Invitae), Labcorp
Classification: Uncertain significance for DICER1-related tumor predisposition. Last evaluated: 2025-12-03. Review status: criteria provided, single submitter. Criteria: Invitae Variant Classification Sherloc (09022015). Collection method: clinical testing. Allele origin: germline.
Comment: This sequence change replaces serine, which is neutral and polar, with arginine, which is basic and polar, at codon 1612 of the DICER1 protein (p.Ser1612Arg). This variant is not present in population databases (gnomAD no frequency). This variant has not been reported in the literature in individuals affected with DICER1-related conditions. ClinVar contains an entry for this variant (Variation ID: 951814). Invitae Evidence Modeling of protein sequence and biophysical properties (such as structural, functional, and spatial information, amino acid conservation, physicochemical variation, residue mobility, and thermodynamic stability) indicates that this missense variant is not expected to disrupt DICER1 protein function with a negative predictive value of 95%. In summary, the available evidence is currently insufficient to determine the role of this variant in disease. Therefore, it has been classified as a Variant of Uncertain Significance.

Ambry Genetics
Classification: Uncertain significance for Hereditary cancer-predisposing syndrome. Last evaluated: 2020-09-23. Review status: criteria provided, single submitter. Criteria: Ambry Variant Classification Scheme 2023. Collection method: clinical testing. Allele origin: germline.
Comment: The p.S1612R variant (also known as c.4836C>A), located in coding exon 22 of the DICER1 gene, results from a C to A substitution at nucleotide position 4836. The serine at codon 1612 is replaced by arginine, an amino acid with dissimilar properties. This alteration was identified in 1/1358 non-cancer control individuals and in 0/57 cases, in a study looking at cancer predisposition mutations in patients with cutaneous melanoma and a history of at least two additional non-cutaneous melanoma primary cancers. (Pritchard AL et al. PLoS ONE, 2018 Apr;13:e0194098). This amino acid position is not well conserved in available vertebrate species. In addition, this alteration is predicted to be tolerated by in silico analysis. Since supporting evidence is limited at this time, the clinical significance of this alteration remains unclear.

Literature cited by the submitters: PubMed 29641532 (cited by Ambry Genetics).

NM_177438.3(DICER1):c.4836C>A (p.Ser1612Arg)

Gene: DICER1 (dicer 1, ribonuclease III; minus strand). Cytogenetic location: 14q32.13.
Variant type: single nucleotide variant.
Coding change: c.4836C>A on transcript NM_177438.3 (MANE Select); coding-DNA position 4836, C replaced by A.
Protein change: p.Ser1612Arg; replaces serine 1612 with arginine.
Molecular consequence: missense variant.
Genome position (GRCh38, 1-based): chr14:95,096,084, G>T on the plus strand (C>A on the coding strand, the complement: DICER1 is on the minus strand). VCF-style: chr14-95096084-G-T. GRCh37 (hg19) VCF-style: chr14-95562421-G-T.
Other names: c.4836C>A, p.Ser1612Arg (NM_001195573.1, NM_001271282.3, NM_001291628.2 and 1 more transcripts); short protein forms S1612R.
Identifiers: ClinVar variation 951814 (VCV000951814.13), dbSNP rs1595339183, ClinGen allele CA390866854.